The following is an entry in ClinVar:

ClinVar aggregate classification (germline): Uncertain significance (1 of 4 stars; one submission).

Conditions:
Kleefstra syndrome 1 (KLEFS1). Identifiers: Orphanet 261494, MedGen C0795833, MONDO:0027407, OMIM 610253.

Submission:

Labcorp Genetics (formerly Invitae), Labcorp
Classification: Uncertain significance for Kleefstra syndrome 1. Last evaluated: 2024-03-19. Review status: criteria provided, single submitter. Criteria: Invitae Variant Classification Sherloc (09022015). Collection method: clinical testing. Allele origin: germline.
Comment: This sequence change replaces glycine, which is neutral and non-polar, with arginine, which is basic and polar, at codon 1235 of the EHMT1 protein (p.Gly1235Arg). This variant is not present in population databases (gnomAD no frequency). This variant has not been reported in the literature in individuals affected with EHMT1-related conditions. Advanced modeling of protein sequence and biophysical properties (such as structural, functional, and spatial information, amino acid conservation, physicochemical variation, residue mobility, and thermodynamic stability) performed at Invitae indicates that this missense variant is expected to disrupt EHMT1 protein function with a positive predictive value of 80%. In summary, the available evidence is currently insufficient to determine the role of this variant in disease. Therefore, it has been classified as a Variant of Uncertain Significance.

NM_024757.5(EHMT1):c.3703G>C (p.Gly1235Arg)

Gene: EHMT1 (euchromatic histone lysine methyltransferase 1; plus strand). Cytogenetic location: 9q34.3.
Variant type: single nucleotide variant.
Coding change: c.3703G>C on transcript NM_024757.5 (MANE Select); coding-DNA position 3703, G replaced by C.
Protein change: p.Gly1235Arg; replaces glycine 1235 with arginine.
Molecular consequence: missense variant.
Genome position (GRCh38, 1-based): chr9:137,834,511, G>C. VCF-style: chr9-137834511-G-C. GRCh37 (hg19) VCF-style: chr9-140728963-G-C.
Other names: c.3682G>C, p.Gly1228Arg (NM_001354263.2); short protein forms G1235R, G1228R.
Identifiers: ClinVar variation 2818650 (VCV002818650.3), dbSNP rs761328727, ClinGen allele CA375782169.